The following is an entry in ClinVar:

ClinVar aggregate classification (germline): Uncertain significance. Review status: criteria provided, multiple submitters, no conflicts (2 of 4 stars). 3 submissions from 3 submitters: Uncertain significance (3). Last evaluated 2025-10-26.

Conditions:
Hereditary cancer-predisposing syndrome. Also called: Neoplastic Syndromes, Hereditary; Tumor predisposition; Hereditary Cancer Syndrome; Hereditary neoplastic syndrome. Identifiers: Orphanet 140162, MedGen C0027672, MeSH D009386, MONDO:0015356.
Familial adenomatous polyposis 1 (FAP1). Also called: FAMILIAL ADENOMATOUS POLYPOSIS 1, ATTENUATED; POLYPOSIS, ADENOMATOUS INTESTINAL. Identifiers: MedGen C2713442, MONDO:0021056, OMIM 175100. Disease mechanism: loss of function.

Submissions (3):

Ambry Genetics
Classification: Uncertain significance for Hereditary cancer-predisposing syndrome. Last evaluated: 2025-10-26. Review status: criteria provided, single submitter. Criteria: Ambry Variant Classification Scheme 2023. Collection method: clinical testing. Allele origin: germline.
Comment: The p.M184V variant (also known as c.550A>G), located in coding exon 5 of the APC gene, results from an A to G substitution at nucleotide position 550. The methionine at codon 184 is replaced by valine, an amino acid with highly similar properties. This amino acid position is conserved. In addition, in silico predictors for this gene do not accurately predict pathogenicity. Based on the available evidence, the clinical significance of this variant remains unclear.

Labcorp Genetics (formerly Invitae), Labcorp
Classification: Uncertain significance for Familial adenomatous polyposis 1. Last evaluated: 2024-08-12. Review status: criteria provided, single submitter. Criteria: Invitae Variant Classification Sherloc (09022015). Collection method: clinical testing. Allele origin: germline.
Comment: This sequence change replaces methionine, which is neutral and non-polar, with valine, which is neutral and non-polar, at codon 184 of the APC protein (p.Met184Val). This variant is not present in population databases (gnomAD no frequency). This variant has not been reported in the literature in individuals affected with APC-related conditions. ClinVar contains an entry for this variant (Variation ID: 919272). Advanced modeling of protein sequence and biophysical properties (such as structural, functional, and spatial information, amino acid conservation, physicochemical variation, residue mobility, and thermodynamic stability) performed at Invitae indicates that this missense variant is not expected to disrupt APC protein function with a negative predictive value of 95%. In summary, the available evidence is currently insufficient to determine the role of this variant in disease. Therefore, it has been classified as a Variant of Uncertain Significance.

Color Diagnostics, LLC DBA Color Health
Classification: Uncertain significance for Hereditary cancer-predisposing syndrome. Last evaluated: 2023-12-05. Review status: criteria provided, single submitter. Criteria: ACMG Guidelines, 2015. Collection method: clinical testing. Allele origin: germline.
Comment: This missense variant replaces methionine with valine at codon 184 of the APC protein. Computational prediction is inconclusive regarding the impact of this variant on protein structure and function (internally defined REVEL score threshold 0.5 < inconclusive < 0.7, PMID: 27666373). To our knowledge, functional studies have not been reported for this variant. This variant has not been reported in individuals affected with APC-related disorders in the literature. This variant has not been identified in the general population by the Genome Aggregation Database (gnomAD). The available evidence is insufficient to determine the role of this variant in disease conclusively. Therefore, this variant is classified as a Variant of Uncertain Significance.

NM_000038.6(APC):c.550A>G (p.Met184Val)

Gene: APC (APC regulator of Wnt signaling pathway; plus strand). Cytogenetic location: 5q22.2.
Variant type: single nucleotide variant.
Coding change: c.550A>G on transcript NM_000038.6 (MANE Select); coding-DNA position 550, A replaced by G.
Protein change: p.Met184Val; replaces methionine 184 with valine.
Molecular consequence: missense variant. On other transcripts: 5 prime UTR variant (1).
Genome position (GRCh38, 1-based): chr5:112,780,808, A>G. VCF-style: chr5-112780808-A-G. GRCh37 (hg19) VCF-style: chr5-112116505-A-G.
Other names: c.550A>G, p.Met184Val (NM_001127510.3, NM_001354895.2, NM_001354896.2 and 2 more transcripts); c.580A>G, p.Met194Val (NM_001127511.3, NM_001354897.2, NM_001354902.2); c.475A>G, p.Met159Val (NM_001354898.2, NM_001354904.2); c.373A>G, p.Met125Val (NM_001354900.2, NM_001354901.2, NM_001354905.2); c.-486A>G (NM_001354906.2); short protein forms M125V, M194V, M159V, M184V.
Identifiers: ClinVar variation 919272 (VCV000919272.7), dbSNP rs1758239945, ClinGen allele CA16022534.